The following is an entry in ClinVar:

NM_005228.5(EGFR):c.2618G>T (p.Gly873Val)

Gene: EGFR (epidermal growth factor receptor; plus strand). Cytogenetic location: 7p11.2.
Variant type: single nucleotide variant.
Coding change: c.2618G>T on transcript NM_005228.5 (MANE Select); coding-DNA position 2618, G replaced by T.
Protein change: p.Gly873Val; replaces glycine 873 with valine.
Molecular consequence: missense variant.
Genome position (GRCh38, 1-based): chr7:55,191,867, G>T. VCF-style: chr7-55191867-G-T. GRCh37 (hg19) VCF-style: chr7-55259560-G-T.
Other names: c.2459G>T, p.Gly820Val (NM_001346900.2); c.1817G>T, p.Gly606Val (NM_001346941.2); c.2483G>T, p.Gly828Val (NM_001346897.2, NM_001346899.2); c.2618G>T, p.Gly873Val (NM_001346898.2); short protein forms G828V, G820V, G873V, G606V.
Identifiers: ClinVar variation 4247354 (VCV004247354.1).
Genomic context (GRCh38, chr7:55,191,867, plus strand): 5'-TCACAGATTTTGGGCTGGCCAAACTGCTGGGTGCGGAAGAGAAAGAATACCATGCAGAAG[G>T]AGGCAAAGTAAGGAGGTGGCTTTAGGTCAGCCAGCATTTTCCTGACACCAGGGACCAGGC-3'
Protein context (NP_005219.2, residues 863-883): GAEEKEYHAE[Gly873Val]GKVPIKWMAL

ClinVar aggregate classification (germline): Uncertain significance (1 of 4 stars; one submission).

Conditions:
Hereditary cancer-predisposing syndrome. Also called: Hereditary Cancer Syndrome; Hereditary neoplastic syndrome; Neoplastic Syndromes, Hereditary; Tumor predisposition. Identifiers: Orphanet 140162, MedGen C0027672, MeSH D009386, MONDO:0015356.

Submission:

Ambry Genetics
Classification: Uncertain significance for Hereditary cancer-predisposing syndrome. Last evaluated: 2025-08-22. Review status: criteria provided, single submitter. Criteria: Ambry Variant Classification Scheme 2023. Collection method: clinical testing. Allele origin: germline.
Comment: The p.G873V variant (also known as c.2618G>T), located in coding exon 21 of the EGFR gene, results from a G to T substitution at nucleotide position 2618. The glycine at codon 873 is replaced by valine, an amino acid with dissimilar properties. This amino acid position is conserved. In addition, this alteration is predicted to be deleterious by in silico analysis. Based on the available evidence, the clinical significance of this variant remains unclear.